The following is an entry in ClinVar:

NM_014927.5(CNKSR2):c.463G>T (p.Val155Phe)

Gene: CNKSR2 (connector enhancer of kinase suppressor of Ras 2; plus strand). Cytogenetic location: Xp22.12.
Variant type: single nucleotide variant.
Coding change: c.463G>T on transcript NM_014927.5 (MANE Select); coding-DNA position 463, G replaced by T.
Protein change: p.Val155Phe; replaces valine 155 with phenylalanine.
Molecular consequence: missense variant.
Genome position (GRCh38, 1-based): chrX:21,440,725, G>T. VCF-style: chrX-21440725-G-T. GRCh37 (hg19) VCF-style: chrX-21458843-G-T.
Other names: c.463G>T, p.Val155Phe (NM_001168647.3, NM_001168648.3, NM_001168649.3 and 4 more transcripts); short protein forms V155F.
Identifiers: ClinVar variation 2502494 (VCV002502494.1), dbSNP rs2518829058, ClinGen allele CA412550045.

ClinVar aggregate classification (germline): Uncertain significance (1 of 4 stars; one submission).

Submission:

GeneDx
Classification: Uncertain significance. Last evaluated: 2022-11-22. Review status: criteria provided, single submitter. Criteria: GeneDx Variant Classification Process June 2021. Collection method: clinical testing. Allele origin: germline. Affected: yes.
Comment: Not observed at significant frequency in large population cohorts (gnomAD); In silico analysis supports that this missense variant does not alter protein structure/function; Has not been previously published as pathogenic or benign to our knowledge